The following is an entry in ClinVar:

ClinVar aggregate classification (germline): Uncertain significance. Review status: criteria provided, multiple submitters, no conflicts (2 of 4 stars). 2 submissions from 2 submitters: Uncertain significance (2). Last evaluated 2025-07-01.

Conditions:
FAT1-related disorder. Also called: FAT1-related condition.

Allele frequency attached by ClinVar (database versions not stated): ExAC 0.00006.
gnomAD v4.1: 60 of 1,613,822 alleles (0.0037%); highest among the groups gnomAD compares: South Asian, 0.034%; no homozygotes.

Submissions (2):

PreventionGenetics, part of Exact Sciences
Classification: Uncertain significance for FAT1-related condition. Last evaluated: 2025-07-01. Review status: criteria provided, single submitter. Criteria: ACMG Guidelines, 2015. Collection method: clinical testing. Allele origin: germline.
Comment: The FAT1 c.10622A>G variant is predicted to result in the amino acid substitution p.Tyr3541Cys. This variant was reported with another missense variant c.5488C>T (p.His1830Tyr) in an individual with renal rickets, but this individual also has a likely pathogenic canonical splice variant in the EYA1 gene (Saha et al. 2023. PubMed ID: 37464296). This variant is reported in 0.039% of alleles in individuals of South Asian descent in gnomAD. At this time, the clinical significance of this variant is uncertain due to the absence of conclusive functional and genetic evidence.

Labcorp Genetics (formerly Invitae), Labcorp
Classification: Uncertain significance. Last evaluated: 2023-11-18. Review status: criteria provided, single submitter. Criteria: Invitae Variant Classification Sherloc (09022015). Collection method: clinical testing. Allele origin: germline.
Comment: This sequence change replaces tyrosine, which is neutral and polar, with cysteine, which is neutral and slightly polar, at codon 3541 of the FAT1 protein (p.Tyr3541Cys). This variant is present in population databases (rs754003525, gnomAD 0.04%). This variant has not been reported in the literature in individuals affected with FAT1-related conditions. ClinVar contains an entry for this variant (Variation ID: 1401905). An algorithm developed to predict the effect of missense changes on protein structure and function (PolyPhen-2) suggests that this variant is likely to be disruptive. In summary, the available evidence is currently insufficient to determine the role of this variant in disease. Therefore, it has been classified as a Variant of Uncertain Significance.

NM_005245.4(FAT1):c.10622A>G (p.Tyr3541Cys)

Genes: FAT1 (FAT atypical cadherin 1; minus strand), LOC126807254 (BRD4-independent group 4 enhancer GRCh37_chr4:187524269-187525468; plus strand). Cytogenetic location: 4q35.2.
Variant type: single nucleotide variant.
Coding change: c.10622A>G on transcript NM_005245.4 (MANE Select); coding-DNA position 10622, A replaced by G.
Protein change: p.Tyr3541Cys; replaces tyrosine 3541 with cysteine.
Molecular consequence: missense variant.
Genome position (GRCh38, 1-based): chr4:186,603,904, T>C on the plus strand (A>G on the coding strand, the complement: FAT1 is on the minus strand). VCF-style: chr4-186603904-T-C. GRCh37 (hg19) VCF-style: chr4-187525058-T-C.
Other names: c.10622A>G (NM_005245.3); short protein forms Y3541C.
Identifiers: ClinVar variation 1401905 (VCV001401905.5), dbSNP rs754003525, ClinGen allele CA3165306.